The following is an entry in ClinVar:

NM_021098.3(CACNA1H):c.6358C>T (p.Pro2120Ser)

Gene: CACNA1H (calcium voltage-gated channel subunit alpha1 H; plus strand). Cytogenetic location: 16p13.3.
Variant type: single nucleotide variant.
Coding change: c.6358C>T on transcript NM_021098.3 (MANE Select); coding-DNA position 6358, C replaced by T.
Protein change: p.Pro2120Ser; replaces proline 2120 with serine.
Molecular consequence: missense variant.
Genome position (GRCh38, 1-based): chr16:1,220,290, C>T. VCF-style: chr16-1220290-C-T. GRCh37 (hg19) VCF-style: chr16-1270290-C-T.
Other names: c.6340C>T, p.Pro2114Ser (NM_001005407.2); short protein forms P2114S, P2120S.
Identifiers: ClinVar variation 2941054 (VCV002941054.3), dbSNP rs1225788473, ClinGen allele CA394149585.

ClinVar aggregate classification (germline): Uncertain significance (1 of 4 stars; one submission).

Conditions:
Idiopathic generalized epilepsy. Also called: EIG; Generalised epilepsy. Identifiers: MedGen C0270850, MONDO:0005579, OMIM 600669.
Hyperaldosteronism, familial, type IV (HALD4). Also called: FH IV; ALDOSTERONISM, PRIMARY, AND HYPERTENSION. Identifiers: Orphanet 642671, MedGen C4310756, MONDO:0014875, OMIM 617027.

Submission:

Labcorp Genetics (formerly Invitae), Labcorp
Classification: Uncertain significance for Idiopathic generalized epilepsy; Hyperaldosteronism, familial, type IV. Last evaluated: 2024-05-15. Review status: criteria provided, single submitter. Criteria: Invitae Variant Classification Sherloc (09022015). Collection method: clinical testing. Allele origin: germline.
Comment: This sequence change replaces proline, which is neutral and non-polar, with serine, which is neutral and polar, at codon 2120 of the CACNA1H protein (p.Pro2120Ser). This variant is not present in population databases (gnomAD no frequency). This variant has not been reported in the literature in individuals affected with CACNA1H-related conditions. Advanced modeling of protein sequence and biophysical properties (such as structural, functional, and spatial information, amino acid conservation, physicochemical variation, residue mobility, and thermodynamic stability) performed at Invitae indicates that this missense variant is not expected to disrupt CACNA1H protein function with a negative predictive value of 95%. In summary, the available evidence is currently insufficient to determine the role of this variant in disease. Therefore, it has been classified as a Variant of Uncertain Significance.